The following is an entry in ClinVar:

NM_024741.3(ZNF408):c.1712G>A (p.Arg571His)

Gene: ZNF408 (zinc finger protein 408; plus strand). Cytogenetic location: 11p11.2.
Variant type: single nucleotide variant.
Coding change: c.1712G>A on transcript NM_024741.3 (MANE Select); coding-DNA position 1712, G replaced by A.
Protein change: p.Arg571His; replaces arginine 571 with histidine.
Molecular consequence: missense variant.
Genome position (GRCh38, 1-based): chr11:46,705,412, G>A. VCF-style: chr11-46705412-G-A. GRCh37 (hg19) VCF-style: chr11-46726962-G-A.
Other names: c.1688G>A, p.Arg563His (NM_001184751.2); short protein forms R563H, R571H.
Identifiers: ClinVar variation 934604 (VCV000934604.9), dbSNP rs1360929105, ClinGen allele CA380257375.
Genomic context (GRCh38, chr11:46,705,412, plus strand): 5'-ACTTGTGCCCGGTGTGTGGCAAGGCCCTCCGAGACCCACACACGCTCCGAGCTCACGAGC[G>A]CCTGCACTCCGGAGAGAGGCCCTTTCCCTGTCCCCAGTGTGGCCGTGCTTACACGCTGGC-3'
Protein context (NP_079017.1, residues 561-581): RDPHTLRAHE[Arg571His]LHSGERPFPC

ClinVar aggregate classification (germline): Uncertain significance (1 of 4 stars; one submission).

Allele frequency attached by ClinVar (database versions not stated): gnomAD exomes below 0.00001 and 0.00001; gnomAD 0.00001; TOPMed 0.00001.

Submission:

Labcorp Genetics (formerly Invitae), Labcorp
Classification: Uncertain significance. Last evaluated: 2023-05-02. Review status: criteria provided, single submitter. Criteria: Invitae Variant Classification Sherloc (09022015). Collection method: clinical testing. Allele origin: germline.
Comment: This variant is present in population databases (no rsID available, gnomAD 0.003%). This missense change has been observed in individual(s) with clinical features of inherited retinal dystrophy (Invitae). ClinVar contains an entry for this variant (Variation ID: 934604). An algorithm developed to predict the effect of missense changes on protein structure and function (PolyPhen-2) suggests that this variant is likely to be disruptive. In summary, the available evidence is currently insufficient to determine the role of this variant in disease. Therefore, it has been classified as a Variant of Uncertain Significance. This sequence change replaces arginine, which is basic and polar, with histidine, which is basic and polar, at codon 571 of the ZNF408 protein (p.Arg571His).